The following is an entry in ClinVar:

NM_000170.3(GLDC):c.2822G>C (p.Arg941Thr)

Gene: GLDC (glycine decarboxylase; minus strand). Cytogenetic location: 9p24.1.
Variant type: single nucleotide variant.
Coding change: c.2822G>C on transcript NM_000170.3 (MANE Select); coding-DNA position 2822, G replaced by C.
Protein change: p.Arg941Thr; replaces arginine 941 with threonine.
Molecular consequence: missense variant.
Genome position (GRCh38, 1-based): chr9:6,536,080, C>G on the plus strand (G>C on the coding strand, the complement: GLDC is on the minus strand). VCF-style: chr9-6536080-C-G. GRCh37 (hg19) VCF-style: chr9-6536080-C-G.
Other names: short protein forms R941T.
Identifiers: ClinVar variation 4737895 (VCV004737895.2).
Genomic context (GRCh38, chr9:6,536,080, plus strand): 5'-CTAGTTTAAGGAACATTTCAAGCAATGTTCCAGGGCCTACGCACCTTCAGCGGATTGACC[C>G]TGGGGTCGATGCGGCCCTCCTCAATGTCAGCAATTTCCTGCCGAATGCTGATCATGGCAT-3'
Protein context (NP_000161.2, residues 931-951): ADIEEGRIDP[Arg941Thr]VNPLKMSPHS

ClinVar aggregate classification (germline): Uncertain significance. Review status: criteria provided, multiple submitters, no conflicts (2 of 4 stars). 2 submissions from 2 submitters: Uncertain significance (2). Last evaluated 2025-05-11.

Conditions:
Glycine encephalopathy. Also called: Nonketotic hyperglycinemia; Non-ketotic hyperglycinemia. Identifiers: Orphanet 407, MedGen C0751748, MONDO:0011612, HP:0008288.

gnomAD v4.1: 6 of 1,613,794 alleles (0.00037%); highest among the groups gnomAD compares: Admixed American, 0.0017%; no homozygotes.

Submissions (2):

Labcorp Genetics (formerly Invitae), Labcorp
Classification: Uncertain significance for Glycine encephalopathy. Last evaluated: 2025-05-11. Review status: criteria provided, single submitter. Criteria: Invitae Variant Classification Sherloc (09022015). Collection method: clinical testing. Allele origin: germline.
Comment: This sequence change replaces arginine, which is basic and polar, with threonine, which is neutral and polar, at codon 941 of the GLDC protein (p.Arg941Thr). This variant is not present in population databases (gnomAD no frequency). This variant has not been reported in the literature in individuals affected with GLDC-related conditions. Invitae Evidence Modeling of protein sequence and biophysical properties (such as structural, functional, and spatial information, amino acid conservation, physicochemical variation, residue mobility, and thermodynamic stability) indicates that this missense variant is not expected to disrupt GLDC protein function with a negative predictive value of 80%. In summary, the available evidence is currently insufficient to determine the role of this variant in disease. Therefore, it has been classified as a Variant of Uncertain Significance.

Blueprint Genetics
Classification: Uncertain significance. Last evaluated: 2021-06-15. Review status: criteria provided, single submitter. Criteria: ACMG Guidelines, 2015. Collection method: clinical testing. Allele origin: germline.